The following is an entry in ClinVar:

NM_014249.4(NR2E3):c.1221G>A (p.Met407Ile)

Gene: NR2E3 (nuclear receptor subfamily 2 group E member 3; plus strand). Cytogenetic location: 15q23.
Variant type: single nucleotide variant.
Coding change: c.1221G>A on transcript NM_014249.4 (MANE Select); coding-DNA position 1221, G replaced by A.
Protein change: p.Met407Ile; replaces methionine 407 with isoleucine.
Molecular consequence: missense variant.
Genome position (GRCh38, 1-based): chr15:71,817,672, G>A. VCF-style: chr15-71817672-G-A. GRCh37 (hg19) VCF-style: chr15-72110013-G-A.
Other names: c.1221G>A (NM_014249.2); short protein forms M407I.
Identifiers: ClinVar variation 864080 (VCV000864080.7), dbSNP rs1350533520, ClinGen allele CA393041668.

ClinVar aggregate classification (germline): Uncertain significance. Review status: criteria provided, multiple submitters, no conflicts (2 of 4 stars). 5 submissions from 5 submitters: Uncertain significance (4). 1 of the submissions does not count toward it. Last evaluated 2026-08-14.

Conditions:
ENHANCED S-CONE SYNDROME 1 (ESCS1). Also called: RETINOSCHISIS WITH EARLY HEMERALOPIA; FAVRE HYALOIDEORETINAL DEGENERATION. Identifiers: MedGen CN380299, OMIM 268100.
Enhanced S-cone syndrome (ESCS). Identifiers: Orphanet 53540, MedGen C1849394, MONDO:0100288, MONDO:0009989.

Allele frequency attached by ClinVar (database versions not stated): gnomAD below 0.00001 and 0.00001; gnomAD exomes below 0.00001; TOPMed below 0.00001.

Submissions (5):

Myriad Genetics, Inc.
Classification: Uncertain significance for ENHANCED S-CONE SYNDROME 1. Last evaluated: 2026-08-14. Review status: criteria provided, single submitter. Criteria: Myriad Autosomal Dominant, Autosomal Recessive and X-Linked Classification Criteria (2023). Collection method: clinical testing. Allele origin: unknown.
Comment: NM_014249.2(NR2E3):c.1221G>A(M407I) is a missense variant classified as a variant of uncertain significance in the context of enhanced S-cone syndrome. M407I has not been observed in cases with relevant disease. Relevant functional assessments of this variant are not available in the literature. M407I has been observed in referenced population frequency databases. In summary, there is insufficient evidence to classify NM_014249.2(NR2E3):c.1221G>A(M407I) as pathogenic or benign. Please note: this variant was assessed in the context of healthy population screening.

Blueprint Genetics
Classification: Uncertain significance. Last evaluated: 2023-10-26. Review status: criteria provided, single submitter. Criteria: ACMG Guidelines, 2015. Collection method: clinical testing. Allele origin: germline.

GeneDx
Classification: Uncertain significance. Last evaluated: 2023-10-19. Review status: criteria provided, single submitter. Criteria: GeneDx Variant Classification Process June 2021. Collection method: clinical testing. Allele origin: germline. Affected: yes.
Comment: Has not been previously published as pathogenic or benign to our knowledge; In-silico analysis is inconclusive as to whether the variant impacts protein structure/function. In the absence of functional studies, the actual effect of this sequence change is unknown

Labcorp Genetics (formerly Invitae), Labcorp
Classification: Uncertain significance. Last evaluated: 2022-07-26. Review status: criteria provided, single submitter. Criteria: Invitae Variant Classification Sherloc (09022015). Collection method: clinical testing. Allele origin: germline.
Comment: This sequence change replaces methionine, which is neutral and non-polar, with isoleucine, which is neutral and non-polar, at codon 407 of the NR2E3 protein (p.Met407Ile). This variant is present in population databases (no rsID available, gnomAD 0.004%). This variant has not been reported in the literature in individuals affected with NR2E3-related conditions. ClinVar contains an entry for this variant (Variation ID: 864080). In summary, the available evidence is currently insufficient to determine the role of this variant in disease. Therefore, it has been classified as a Variant of Uncertain Significance.

Natera, Inc.
Classification: Uncertain significance for Enhanced S cone syndrome. Last evaluated: 2020-11-18. Review status: no assertion criteria provided. Collection method: clinical testing. Allele origin: germline. Not counted in ClinVar's aggregate classification.